The following is an entry in ClinVar:

ClinVar aggregate classification (germline): Uncertain significance. Review status: criteria provided, multiple submitters, no conflicts (2 of 4 stars). 2 submissions from 2 submitters: Uncertain significance (2). Last evaluated 2025-11-26.

Conditions:
Neuroblastoma, susceptibility to, 3. Also called: ALK-Related Neuroblastic Tumor Susceptibility. Identifiers: Orphanet 635, MedGen C2751681, MONDO:0013083, OMIM 613014.
Hereditary cancer-predisposing syndrome. Also called: Neoplastic Syndromes, Hereditary; Hereditary Cancer Syndrome; Hereditary neoplastic syndrome; Tumor predisposition. Identifiers: Orphanet 140162, MedGen C0027672, MeSH D009386, MONDO:0015356.

Submissions (2):

Labcorp Genetics (formerly Invitae), Labcorp
Classification: Uncertain significance for Neuroblastoma, susceptibility to, 3. Last evaluated: 2025-11-26. Review status: criteria provided, single submitter. Criteria: Invitae Variant Classification Sherloc (09022015). Collection method: clinical testing. Allele origin: germline.
Comment: This sequence change replaces glutamic acid, which is acidic and polar, with alanine, which is neutral and non-polar, at codon 148 of the ALK protein (p.Glu148Ala). This variant is not present in population databases (gnomAD no frequency). This variant has not been reported in the literature in individuals affected with ALK-related conditions. ClinVar contains an entry for this variant (Variation ID: 640562). An algorithm developed to predict the effect of missense changes on protein structure and function (PolyPhen-2) suggests that this variant is likely to be tolerated. In summary, the available evidence is currently insufficient to determine the role of this variant in disease. Therefore, it has been classified as a Variant of Uncertain Significance.

Ambry Genetics
Classification: Uncertain significance for Hereditary cancer-predisposing syndrome. Last evaluated: 2023-06-24. Review status: criteria provided, single submitter. Criteria: Ambry Variant Classification Scheme 2023. Collection method: clinical testing. Allele origin: germline.
Comment: The p.E148A variant (also known as c.443A>C), located in coding exon 1 of the ALK gene, results from an A to C substitution at nucleotide position 443. The glutamic acid at codon 148 is replaced by alanine, an amino acid with dissimilar properties. This amino acid position is conserved. In addition, the in silico prediction for this alteration is inconclusive. Since supporting evidence is limited at this time, the clinical significance of this alteration remains unclear.

NM_004304.5(ALK):c.443A>C (p.Glu148Ala)

Gene: ALK (ALK receptor tyrosine kinase; minus strand). Cytogenetic location: 2p23.1.
Variant type: single nucleotide variant.
Coding change: c.443A>C on transcript NM_004304.5 (MANE Select); coding-DNA position 443, A replaced by C.
Protein change: p.Glu148Ala; replaces glutamic acid 148 with alanine.
Molecular consequence: missense variant.
Genome position (GRCh38, 1-based): chr2:29,920,217, T>G on the plus strand (A>C on the coding strand, the complement: ALK is on the minus strand). VCF-style: chr2-29920217-T-G. GRCh37 (hg19) VCF-style: chr2-30143083-T-G.
Other names: short protein forms E148A.
Identifiers: ClinVar variation 640562 (VCV000640562.12), dbSNP rs1331266292, ClinGen allele CA346590034.
Genomic context (GRCh38, chr2:29,920,217, plus strand): 5'-AACTGGAGCAGCCCCACAGCCGCCTCCCCGGGGGGCCCGACGCAACCCTCCAAGATCGCC[T>G]CCTCGCCCAGCTCCAGCACCAACTGCTTGGCACGCCGGAGCTTGCGCACGGAGCCGCCCT-3'
Protein context (NP_004295.2, residues 138-158): AKQLVLELGE[Glu148Ala]AILEGCVGPP